The following is an entry in ClinVar:

NM_001018115.3(FANCD2):c.4132A>C (p.Asn1378His)

Genes: FANCD2 (FA complementation group D2; plus strand), FANCD2OS (FANCD2 opposite strand; minus strand). Cytogenetic location: 3p25.3.
Variant type: single nucleotide variant.
Coding change: c.4132A>C on transcript NM_001018115.3 (MANE Select); coding-DNA position 4132, A replaced by C.
Protein change: p.Asn1378His; replaces asparagine 1378 with histidine.
Molecular consequence: missense variant. On other transcripts: intron variant (1).
Genome position (GRCh38, 1-based): chr3:10,096,419, A>C. VCF-style: chr3-10096419-A-C. GRCh37 (hg19) VCF-style: chr3-10138103-A-C.
Other names: c.4132A>C, p.Asn1378His (NM_001319984.2, NM_033084.6); c.4021A>C, p.Asn1341His (NM_001374253.1); c.4093A>C, p.Asn1365His (NM_001374254.1); c.*43+7779T>G (NM_173472.2); short protein forms N1365H, N1378H, N1341H.
Identifiers: ClinVar variation 2152297 (VCV002152297.3), dbSNP rs2470086500, ClinGen allele CA351757887.

ClinVar aggregate classification (germline): Uncertain significance (1 of 4 stars; one submission).

Conditions:
Fanconi anemia (FA). Also called: Fanconi's anemia. Identifiers: Orphanet 84, MedGen C0015625, MeSH D005199, MONDO:0019391.

Submission:

Labcorp Genetics (formerly Invitae), Labcorp
Classification: Uncertain significance for Fanconi anemia. Last evaluated: 2022-05-24. Review status: criteria provided, single submitter. Criteria: Invitae Variant Classification Sherloc (09022015). Collection method: clinical testing. Allele origin: germline.
Comment: In summary, the available evidence is currently insufficient to determine the role of this variant in disease. Therefore, it has been classified as a Variant of Uncertain Significance. Algorithms developed to predict the effect of missense changes on protein structure and function are either unavailable or do not agree on the potential impact of this missense change (SIFT: "Deleterious"; PolyPhen-2: "Probably Damaging"; Align-GVGD: "Class C0"). This variant has not been reported in the literature in individuals affected with FANCD2-related conditions. This variant is not present in population databases (gnomAD no frequency). This sequence change replaces asparagine, which is neutral and polar, with histidine, which is basic and polar, at codon 1378 of the FANCD2 protein (p.Asn1378His).